The following is an entry in ClinVar:

ClinVar aggregate classification (germline): Benign. Review status: criteria provided, multiple submitters, no conflicts (2 of 4 stars). 4 submissions from 4 submitters: Benign (3). 1 of the submissions does not count toward it. Last evaluated 2026-02-01.

Conditions:
Dyskeratosis congenita, autosomal recessive 6 (DKCB6). Identifiers: MedGen C4225356, MONDO:0014600, OMIM 616353.
Pulmonary fibrosis and/or bone marrow failure, Telomere-related, 4. Also called: PULMONARY FIBROSIS AND/OR BONE MARROW FAILURE SYNDROME, TELOMERE-RELATED, 4. Identifiers: Orphanet 2032, MedGen C4225347, MONDO:0014612, OMIM 616371.
Familial Interstitial Pneumonia.
Pulmonary fibrosis. Identifiers: MedGen C0034069, MONDO:0002771, HP:0002206.

Allele frequency attached by ClinVar (database versions not stated): ESP Exome Variant Server 0.00050; gnomAD exomes 0.00133 and 0.00238; gnomAD 0.00184 and 0.00230; TOPMed 0.00198; ExAC 0.00218; 1000 Genomes Project 0.00779.
gnomAD v4.1: 2,279 of 1,586,058 alleles (0.14%); highest among the groups gnomAD compares: East Asian, 2.2%; 28 homozygotes.

Submissions (8):

Labcorp Genetics (formerly Invitae), Labcorp
Classification: Benign for Dyskeratosis congenita, autosomal recessive 6; Pulmonary fibrosis and/or bone marrow failure, Telomere-related, 4. Last evaluated: 2026-02-01. Review status: criteria provided, single submitter. Criteria: Invitae Variant Classification Sherloc (09022015). Collection method: clinical testing. Allele origin: germline.

CeGaT Center for Human Genetics Tuebingen
Classification: Benign. Last evaluated: 2022-12-01. Review status: criteria provided, single submitter. Criteria: CeGaT Center For Human Genetics Tuebingen Variant Classification Criteria Version 2. Collection method: clinical testing. Allele origin: germline. Affected: yes. Observed: 1 variant allele.
Comment: PARN: BS1, BS2

Genetic Services Laboratory, University of Chicago
Classification: Benign. Last evaluated: 2017-05-03. Review status: criteria provided, single submitter. Criteria: ACMG Guidelines, 2015. Collection method: clinical testing. Allele origin: germline. Affected: no.

Dr. Peter K. Rogan Lab, Western University
No classification provided (evidence only). Condition: Cervical cancer. Review status: no classification provided. Collection method: in vitro. Allele origin: not applicable. Functional consequence: skipped exon. Not counted in ClinVar's aggregate classification.

Dr. Peter K. Rogan Lab, Western University
No classification provided (evidence only). Condition: Gastric cancer. Review status: no classification provided. Collection method: in vitro. Allele origin: not applicable. Functional consequence: retained intron. Not counted in ClinVar's aggregate classification.

Dr. Peter K. Rogan Lab, Western University
No classification provided (evidence only). Condition: Gastric cancer. Review status: no classification provided. Collection method: in vitro. Allele origin: not applicable. Functional consequence: retained intron. Not counted in ClinVar's aggregate classification.

Dr. Peter K. Rogan Lab, Western University
No classification provided (evidence only). Condition: Malignant tumor of esophagus. Review status: no classification provided. Collection method: in vitro. Allele origin: not applicable. Functional consequence: skipped exon, retained intron. Not counted in ClinVar's aggregate classification.

University of Washington Center for Mendelian Genomics, University of Washington
Classification: Uncertain significance for Pulmonary Fibrosis; Familial Interstitial Pneumonia. Review status: no assertion criteria provided. Collection method: research. Allele origin: inherited. Affected: yes. Not counted in ClinVar's aggregate classification.

Literature cited by the submitters: PubMed 28414520 (cited by University of Washington Center for Mendelian Genomics, University of Washington).

NM_002582.4(PARN):c.840+6T>C

Gene: PARN (poly(A)-specific ribonuclease; minus strand). Cytogenetic location: 16p13.12.
Variant type: single nucleotide variant.
Coding change: c.840+6T>C on transcript NM_002582.4 (MANE Select); 6 bases into the intron after coding-DNA position 840, T replaced by C.
Molecular consequence: intron variant.
Genome position (GRCh38, 1-based): chr16:14,599,898, A>G on the plus strand (T>C on the coding strand, the complement: PARN is on the minus strand). VCF-style: chr16-14599898-A-G. GRCh37 (hg19) VCF-style: chr16-14693755-A-G.
Other names: c.840+6T>C (LRG_1286t1); c.657+6T>C (NM_001134477.3); c.702+6T>C (NM_001242992.2).
Identifiers: ClinVar variation 436151 (VCV000436151.43), dbSNP rs59687658, ClinGen allele CA7912273.